The following is an entry in ClinVar:

NM_000277.3(PAH):c.899C>T (p.Ala300Val)

Genes: PAH (phenylalanine hydroxylase; minus strand), LOC126861615 (CDK7 strongly-dependent group 2 enhancer GRCh37_chr12:103244689-103245888; plus strand). Cytogenetic location: 12q23.2.
Variant type: single nucleotide variant.
Coding change: c.899C>T on transcript NM_000277.3 (MANE Select); coding-DNA position 899, C replaced by T.
Protein change: p.Ala300Val; replaces alanine 300 with valine.
Molecular consequence: missense variant.
Genome position (GRCh38, 1-based): chr12:102,851,700, G>A on the plus strand (C>T on the coding strand, the complement: PAH is on the minus strand). VCF-style: chr12-102851700-G-A. GRCh37 (hg19) VCF-style: chr12-103245478-G-A.
Other names: NM_000277.1(PAH):c.899C>T; c.899C>T, p.Ala300Val (NM_001354304.2); short protein forms A300V.
Identifiers: ClinVar variation 102887 (VCV000102887.9), dbSNP rs199475609, ClinGen allele CA229839.

ClinVar aggregate classification (germline): Likely pathogenic. Review status: reviewed by expert panel (3 of 4 stars). 4 submissions from 4 submitters: Likely pathogenic (1). 3 of the submissions do not count toward it. Last evaluated 2020-09-24.

Conditions:
Phenylketonuria (PKU). Also called: Phenylketonuria (PKU); FOLLING DISEASE; OLIGOPHRENIA PHENYLPYRUVICA; Phenylketonurias. Identifiers: Orphanet 716, MedGen C0031485, MONDO:0009861, OMIM 261600. Disease mechanism: loss of function.

gnomAD v4.1: 2 of 1,613,880 alleles (0.00012%); highest among the groups gnomAD compares: Non-Finnish European, 0.00017%; no homozygotes.

Submissions (4):

ClinGen PAH Variant Curation Expert Panel
Classification: Likely pathogenic for Phenylketonuria. Last evaluated: 2020-09-24. Review status: reviewed by expert panel. Criteria: ClinGen PAH ACMG Specifications v1. Collection method: curation. Allele origin: germline. Inheritance: Autosomal recessive inheritance.
Comment: The c.899C>T (p.Ala300Val) variant in PAH has been reported in at least 1 individual with PKU, detected in trans with pathogenic variant p.R408W (PMID: 8533759). This variant is absent in population databases. Computational evidence support a deleterious effect. Another missense variant at the same amino acid (p.A300S) is pathogenic. In summary, this variant meets criteria to be classified as likely pathogenic for PAH. PAH-specific ACMG/AMP criteria applied: PM2, PM3, PM5, PP3, PP4.

Labcorp Genetics (formerly Invitae), Labcorp
Classification: Pathogenic for Phenylketonuria. Last evaluated: 2021-05-28. Review status: criteria provided, single submitter. Criteria: Invitae Variant Classification Sherloc (09022015). Collection method: clinical testing. Allele origin: germline. Not counted in ClinVar's aggregate classification.
Comment: This sequence change replaces alanine with valine at codon 300 of the PAH protein (p.Ala300Val). The alanine residue is highly conserved and there is a small physicochemical difference between alanine and valine. This variant is not present in population databases (ExAC no frequency). This variant has been observed in individual(s) with phenylketonuria (PMID: 8533759). ClinVar contains an entry for this variant (Variation ID: 102887). Advanced modeling of protein sequence and biophysical properties (such as structural, functional, and spatial information, amino acid conservation, physicochemical variation, residue mobility, and thermodynamic stability) performed at Invitae indicates that this missense variant is expected to disrupt PAH protein function. This variant disrupts the p.Ala300 amino acid residue in PAH. Other variant(s) that disrupt this residue have been determined to be pathogenic (PMID: 25596310, 22330942, 23764561, 25155776). This suggests that this residue is clinically significant, and that variants that disrupt this residue are likely to be disease-causing. For these reasons, this variant has been classified as Pathogenic.

Counsyl
Classification: Uncertain significance for Phenylketonuria. Last evaluated: 2017-08-30. Review status: no assertion criteria provided. Collection method: clinical testing. Allele origin: unknown. Not counted in ClinVar's aggregate classification.

DeBelle Laboratory for Biochemical Genetics, MUHC/MCH RESEARCH INSTITUTE
No classification provided. Review status: no classification provided. Collection method: not provided. Allele origin: not provided. Not counted in ClinVar's aggregate classification.

Literature cited by the submitters: PubMed 8533759 (cited by 3 submitters); PubMed 25596310 (cited by Labcorp Genetics (formerly Invitae), Labcorp); PubMed 22330942 (cited by Labcorp Genetics (formerly Invitae), Labcorp); PubMed 23764561 (cited by Labcorp Genetics (formerly Invitae), Labcorp); PubMed 25155776 (cited by Labcorp Genetics (formerly Invitae), Labcorp); PubMed 10527663 (cited by Counsyl).